The following is an entry in ClinVar:

NM_003024.3(ITSN1):c.4655G>A (p.Arg1552Gln)

Gene: ITSN1 (intersectin 1; plus strand). Cytogenetic location: 21q22.11.
Variant type: single nucleotide variant.
Coding change: c.4655G>A on transcript NM_003024.3 (MANE Select); coding-DNA position 4655, G replaced by A.
Protein change: p.Arg1552Gln; replaces arginine 1552 with glutamine.
Molecular consequence: missense variant.
Genome position (GRCh38, 1-based): chr21:33,883,650, G>A. VCF-style: chr21-33883650-G-A. GRCh37 (hg19) VCF-style: chr21-35255954-G-A.
Other names: c.4640G>A, p.Arg1547Gln (NM_001331010.2); short protein forms R1547Q, R1552Q.
Identifiers: ClinVar variation 3363403 (VCV003363403.2).

ClinVar aggregate classification (germline): Uncertain significance. Review status: criteria provided, multiple submitters, no conflicts (2 of 4 stars). 2 submissions from 2 submitters: Uncertain significance (2). Last evaluated 2024-07-26.

Conditions:
Inborn genetic diseases. Identifiers: MedGen C0950123, MeSH D030342.

gnomAD v4.1: 5 of 1,613,484 alleles (0.00031%); highest among the groups gnomAD compares: Middle Eastern, 0.016%; no homozygotes.

Submissions (2):

Ambry Genetics
Classification: Uncertain significance for Inborn genetic diseases. Last evaluated: 2024-07-26. Review status: criteria provided, single submitter. Criteria: Ambry Variant Classification Scheme 2023. Collection method: clinical testing. Allele origin: germline.

GeneDx
Classification: Uncertain significance. Last evaluated: 2023-11-02. Review status: criteria provided, single submitter. Criteria: GeneDx Variant Classification Process June 2021. Collection method: clinical testing. Allele origin: germline. Affected: yes.
Comment: In silico analysis supports that this missense variant has a deleterious effect on protein structure/function; Has not been previously published as pathogenic or benign to our knowledge